The following is an entry in ClinVar:

ClinVar aggregate classification (germline): Uncertain significance (1 of 4 stars; one submission).

Conditions:
Pyruvate dehydrogenase E1-alpha deficiency (PDHAD). Also called: ATAXIA, INTERMITTENT, WITH PYRUVATE DEHYDROGENASE DEFICIENCY; ATAXIA WITH LACTIC ACIDOSIS I; ATAXIA, INTERMITTENT, WITH ABNORMAL PYRUVATE METABOLISM; Ataxia, intermittent, with pyruvate dehydrogenase, or decarboxylase, deficiency. Identifiers: Orphanet 79243, MedGen C1839413, MONDO:0010717, OMIM 312170.

Submission:

Centre for Mendelian Genomics, University Medical Centre Ljubljana
Classification: Uncertain significance for Pyruvate dehydrogenase E1-alpha deficiency. Last evaluated: 2016-01-01. Review status: criteria provided, single submitter. Criteria: ACMG Guidelines, 2015. Collection method: clinical testing. Allele origin: unknown. Affected: yes.
Comment: This variant was classified as: Uncertain significance. The following ACMG criteria were applied in classifying this variant: PM2,PM4,PP3.

NM_000284.4(PDHA1):c.1014_1034dup (p.Lys344_Glu345insAspAspValGluValArgLys)

Gene: PDHA1 (pyruvate dehydrogenase E1 subunit alpha 1; plus strand). Cytogenetic location: Xp22.12.
Variant type: Duplication.
Coding change: c.1014_1034dup on transcript NM_000284.4 (MANE Select); coding-DNA positions 1014 to 1034, 21 bases duplicated (TGATGTGGAAGTGAGGAAGGA).
Protein change: p.Lys344_Glu345insAspAspValGluValArgLys.
Molecular consequence: inframe insertion.
Genome position (GRCh38, 1-based): chrX:19,359,494-19,359,514, TGATGTGGAAGTGAGGAAGGA duplicated. VCF-style (leftmost placement, unchanged base first): chrX-19359493-T-TTGATGTGGAAGTGAGGAAGGA. GRCh37 (hg19) VCF-style: chrX-19377611-T-TTGATGTGGAAGTGAGGAAGGA.
Other names: c.921_941dup, p.Lys313_Glu314insAspAspValGluValArgLys (NM_001173456.2); c.1128_1148dup, p.Lys382_Glu383insAspAspValGluValArgLys (NM_001173454.2); c.1035_1055dup, p.Lys351_Glu352insAspAspValGluValArgLys (NM_001173455.2).
Identifiers: ClinVar variation 931995 (VCV000931995.3), dbSNP rs2063244761, ClinGen allele CA1139667330.